The following is an entry in ClinVar:

ClinVar aggregate classification (germline): Conflicting classifications of pathogenicity. Review status: criteria provided, conflicting classifications (1 of 4 stars). 2 submissions from 2 submitters: Likely pathogenic (1); Uncertain significance (1). Last evaluated 2023-05-18.

Conditions:
Early-infantile DEE. Also called: Early infantile epileptic encephalopathy with suppression bursts; Early infantile epileptic encephalopathy; Ohtahara syndrome. Identifiers: Orphanet 1934, MedGen C0393706, MONDO:0800491.
Seizures, benign familial neonatal, 1. Also called: Benign Neonatal Epilepsy 1; KCNQ2-Related Self-Limited Familial Neonatal Epilepsy (SLFNE); KCNQ2-Related Benign Familial Neonatal Epilepsy; Seizures, benign neonatal, 1. Identifiers: Orphanet 1949, MedGen C3149074, MONDO:0007365, OMIM 121200.

Submissions (2):

Labcorp Genetics (formerly Invitae), Labcorp
Classification: Uncertain significance for Early-infantile DEE. Last evaluated: 2023-05-18. Review status: criteria provided, single submitter. Criteria: Invitae Variant Classification Sherloc (09022015). Collection method: clinical testing. Allele origin: germline.
Comment: In summary, the available evidence is currently insufficient to determine the role of this variant in disease. Therefore, it has been classified as a Variant of Uncertain Significance. An algorithm developed to predict the effect of missense changes on protein structure and function (PolyPhen-2) suggests that this variant is likely to be disruptive. ClinVar contains an entry for this variant (Variation ID: 488537). This variant has not been reported in the literature in individuals affected with KCNQ2-related conditions. This variant is not present in population databases (gnomAD no frequency). This sequence change replaces arginine, which is basic and polar, with threonine, which is neutral and polar, at codon 541 of the KCNQ2 protein (p.Arg541Thr).

Institute of Human Genetics Munich, TUM University Hospital
Classification: Likely pathogenic for Seizures, benign familial neonatal, 1. Last evaluated: 2017-12-09. Review status: criteria provided, single submitter. Criteria: Classification criteria August 2017. Collection method: clinical testing. Allele origin: de novo. Inheritance: Autosomal dominant inheritance. Affected: yes. Observed: 1 heterozygote.

NM_172107.4(KCNQ2):c.1622G>C (p.Arg541Thr)

Gene: KCNQ2 (potassium voltage-gated channel subfamily Q member 2; minus strand). Cytogenetic location: 20q13.33.
Variant type: single nucleotide variant.
Coding change: c.1622G>C on transcript NM_172107.4 (MANE Select); coding-DNA position 1622, G replaced by C.
Protein change: p.Arg541Thr; replaces arginine 541 with threonine.
Molecular consequence: missense variant.
Genome position (GRCh38, 1-based): chr20:63,414,097, C>G on the plus strand (G>C on the coding strand, the complement: KCNQ2 is on the minus strand). VCF-style: chr20-63414097-C-G. GRCh37 (hg19) VCF-style: chr20-62045450-C-G.
Other names: c.1538G>C, p.Arg513Thr (NM_004518.6); c.1568G>C, p.Arg523Thr (NM_172106.3); c.1529G>C, p.Arg510Thr (NM_172108.5); short protein forms R541T, R523T, R510T, R513T.
Identifiers: ClinVar variation 488537 (VCV000488537.13), dbSNP rs1555853970, ClinGen allele CA409645148.